The following is an entry in ClinVar:

ClinVar aggregate classification (germline): Pathogenic (1 of 4 stars; one submission).

Conditions:
Ehlers-Danlos syndrome, type 4 (EDSVASC). Also called: Ehlers-Danlos syndrome vascular type; Ehlers Danlos syndrome, ecchymotic type; Ehlers Danlos syndrome, arterial type; Ehlers Danlos syndrome, Sack-Barabas type; Ehlers-Danlos Syndrome Type IV. Identifiers: Orphanet 286, MedGen C0268338, MONDO:0017314, OMIM 130050.

Submission:

Labcorp Genetics (formerly Invitae), Labcorp
Classification: Pathogenic for Ehlers-Danlos syndrome, type 4. Last evaluated: 2018-07-16. Review status: criteria provided, single submitter. Criteria: Invitae Variant Classification Sherloc (09022015). Collection method: clinical testing. Allele origin: germline.
Comment: This sequence change affects a donor splice site in intron 49 of the COL3A1 gene. It is expected to disrupt RNA splicing and likely results in an absent or disrupted protein product. This variant is not present in population databases (ExAC no frequency). This variant has not been reported in the literature in individuals with COL3A1-related disease. Algorithms developed to predict the effect of sequence changes on RNA splicing suggest that this variant may disrupt the consensus splice site, but this prediction has not been confirmed by published transcriptional studies. A different variant affecting this nucleotide (c.4011+1G>A) has been determined to be pathogenic (PMID: 25758994). This suggests that this nucleotide is important for normal RNA splicing, and that other variants at this position may also be pathogenic. Donor and acceptor splice site variants typically lead to a loss of protein function (PMID: 16199547), and loss-of-function variants in COL3A1 are known to be pathogenic (PMID: 24922459). For these reasons, this variant has been classified as Pathogenic.

Literature cited by the submitters: PubMed 25758994; PubMed 16199547; PubMed 24922459.

NM_000090.4(COL3A1):c.4011+1G>T

Gene: COL3A1 (collagen type III alpha 1 chain; plus strand). Cytogenetic location: 2q32.2.
Variant type: single nucleotide variant.
Coding change: c.4011+1G>T on transcript NM_000090.4 (MANE Select); the canonical splice donor site of the intron after coding-DNA position 4011, G replaced by T.
Molecular consequence: splice donor variant.
Genome position (GRCh38, 1-based): chr2:189,010,366, G>T. VCF-style: chr2-189010366-G-T. GRCh37 (hg19) VCF-style: chr2-189875092-G-T.
Identifiers: ClinVar variation 575052 (VCV000575052.8), dbSNP rs112532745, ClinGen allele CA62564002.